The following is an entry in ClinVar:

ClinVar aggregate classification (germline): Conflicting classifications of pathogenicity. Review status: criteria provided, conflicting classifications (1 of 4 stars). 3 submissions from 3 submitters: Uncertain significance (1); Likely benign (2). Last evaluated 2026-07-01.

Conditions:
Hereditary breast ovarian cancer syndrome. Also called: Hereditary breast and/or ovarian cancer syndrome; Breast and ovarian cancer; BRCA1- and BRCA2-Associated Hereditary Breast and Ovarian Cancer; Hereditary breast and ovarian cancer syndrome (HBOC); Hereditary breast and ovarian cancer syndrome; Hereditary breast and ovarian cancer. Identifiers: Orphanet 145, MedGen C0677776, MeSH D061325, MONDO:0003582. Disease mechanism: loss of function.
Hereditary cancer-predisposing syndrome. Also called: Hereditary Cancer Syndrome; Tumor predisposition; Hereditary neoplastic syndrome; Neoplastic Syndromes, Hereditary. Identifiers: Orphanet 140162, MedGen C0027672, MeSH D009386, MONDO:0015356.

Allele frequency attached by ClinVar (database versions not stated): gnomAD 0.00003 and 0.00004; gnomAD exomes 0.00003 and 0.00004; TOPMed 0.00005; ExAC 0.00013.

Submissions (3):

Ambry Genetics
Classification: Uncertain significance for Hereditary cancer-predisposing syndrome. Last evaluated: 2026-07-01. Review status: criteria provided, single submitter. Criteria: Ambry Variant Classification Scheme 2023. Collection method: clinical testing. Allele origin: germline.
Comment: The p.R100Q variant (also known as c.299G>A), located in coding exon 3 of the RAD51D gene, results from a G to A substitution at nucleotide position 299. The arginine at codon 100 is replaced by glutamine, an amino acid with highly similar properties. This amino acid position is conserved. In addition, this alteration is predicted to be tolerated by in silico analysis. Based on the available evidence, the clinical significance of this variant remains unclear.

Cancer Genomics Group, Japanese Foundation For Cancer Research
Classification: Likely benign for Hereditary breast ovarian cancer syndrome. Last evaluated: 2022-03-30. Review status: criteria provided, single submitter. Criteria: ACMG Guidelines, 2015. Collection method: research. Allele origin: germline. Affected: yes.

Color Diagnostics, LLC DBA Color Health
Classification: Likely benign for Hereditary cancer-predisposing syndrome. Last evaluated: 2015-12-28. Review status: criteria provided, single submitter. Criteria: ACMG Guidelines, 2015. Collection method: clinical testing. Allele origin: germline.

NM_002878.4(RAD51D):c.263+1618G>A

Genes: RAD51D (RAD51 paralog D; minus strand), RAD51L3-RFFL (RAD51L3-RFFL readthrough; minus strand). Cytogenetic location: 17q12.
Variant type: single nucleotide variant.
Coding change: c.263+1618G>A on transcript NM_002878.4 (MANE Select); 1618 bases into the intron after coding-DNA position 263, G replaced by A.
Molecular consequence: intron variant. On other transcripts: missense variant (1).
Genome position (GRCh38, 1-based): chr17:35,116,883, C>T on the plus strand (G>A on the coding strand, the complement: RAD51D is on the minus strand). VCF-style: chr17-35116883-C-T. GRCh37 (hg19) VCF-style: chr17-33443902-C-T.
Other names: c.299G>A, p.Arg100Gln (NM_001142571.2); c.144+2228G>A (NM_133629.3); c.299G>A (NM_001142571.1); short protein forms R100Q.
Identifiers: ClinVar variation 492418 (VCV000492418.7), dbSNP rs748411608, ClinGen allele CA8499569.